The following is an entry in ClinVar:

ClinVar aggregate classification (germline): Pathogenic/Likely pathogenic. Review status: criteria provided, multiple submitters, no conflicts (2 of 4 stars). 4 submissions from 4 submitters: Pathogenic (3); Likely pathogenic (1). Last evaluated 2025-10-20.

Conditions:
Hereditary cancer-predisposing syndrome. Also called: Hereditary neoplastic syndrome; Tumor predisposition; Hereditary Cancer Syndrome; Neoplastic Syndromes, Hereditary. Identifiers: Orphanet 140162, MedGen C0027672, MeSH D009386, MONDO:0015356.
Ataxia-telangiectasia syndrome (AT). Also called: Cerebello-oculocutaneous telangiectasia; Immunodeficiency with ataxia telangiectasia; Ataxia telangiectasia (A-T); Ataxia-telangiectasia, complementation group E; LOUIS-BAR SYNDROME; Ataxia-telangiectasia. Identifiers: Orphanet 100, MedGen C0004135, MONDO:0008840, OMIM 208900.
Familial cancer of breast. Also called: hereditary breast carcinoma; BREAST CANCER, FAMILIAL; Hereditary breast cancer. Identifiers: Orphanet 227535, MedGen C0346153, MONDO:0016419, OMIM 114480. Disease mechanism: loss of function.

Submissions (4):

Ambry Genetics
Classification: Pathogenic for Hereditary cancer-predisposing syndrome. Last evaluated: 2025-10-20. Review status: criteria provided, single submitter. Criteria: Ambry Variant Classification Scheme 2023. Collection method: clinical testing. Allele origin: germline.
Comment: The p.S227* pathogenic mutation (also known as c.680C>G), located in coding exon 6 of the ATM gene, results from a C to G substitution at nucleotide position 680. This changes the amino acid from a serine to a stop codon within coding exon 6. This variant is considered to be rare based on population cohorts in the Genome Aggregation Database (gnomAD). This alteration is expected to result in loss of function by premature protein truncation or nonsense-mediated mRNA decay. As such, this alteration is interpreted as a disease-causing mutation.

Baylor Genetics
Classification: Likely pathogenic for Familial cancer of breast. Last evaluated: 2024-02-29. Review status: criteria provided, single submitter. Criteria: ACMG Guidelines, 2015. Collection method: clinical testing. Allele origin: unknown.

Myriad Genetics, Inc.
Classification: Pathogenic for Familial cancer of breast. Last evaluated: 2024-01-09. Review status: criteria provided, single submitter. Criteria: Myriad Autosomal Dominant, Autosomal Recessive and X-Linked Classification Criteria (2023). Collection method: clinical testing. Allele origin: unknown.
Comment: This variant is considered pathogenic. This variant creates a termination codon and is predicted to result in premature protein truncation.

Labcorp Genetics (formerly Invitae), Labcorp
Classification: Pathogenic for Ataxia-telangiectasia syndrome. Last evaluated: 2022-05-21. Review status: criteria provided, single submitter. Criteria: Invitae Variant Classification Sherloc (09022015). Collection method: clinical testing. Allele origin: germline.
Comment: This variant is not present in population databases (gnomAD no frequency). For these reasons, this variant has been classified as Pathogenic. ClinVar contains an entry for this variant (Variation ID: 581216). This variant has not been reported in the literature in individuals affected with ATM-related conditions. This sequence change creates a premature translational stop signal (p.Ser227*) in the ATM gene. It is expected to result in an absent or disrupted protein product. Loss-of-function variants in ATM are known to be pathogenic (PMID: 23807571, 25614872).

Literature cited by the submitters: PubMed 23807571 (cited by Labcorp Genetics (formerly Invitae), Labcorp); PubMed 25614872 (cited by Labcorp Genetics (formerly Invitae), Labcorp).

NM_000051.4(ATM):c.680C>G (p.Ser227Ter)

Gene: ATM (ATM serine/threonine kinase; plus strand). Cytogenetic location: 11q22.3.
Variant type: single nucleotide variant.
Coding change: c.680C>G on transcript NM_000051.4 (MANE Select); coding-DNA position 680, C replaced by G.
Protein change: p.Ser227Ter; replaces serine 227 with a stop codon.
Molecular consequence: nonsense.
Genome position (GRCh38, 1-based): chr11:108,244,805, C>G. VCF-style: chr11-108244805-C-G. GRCh37 (hg19) VCF-style: chr11-108115532-C-G.
Other names: c.680C>G, p.Ser227Ter (NM_001351834.2); short protein forms S227*.
Identifiers: ClinVar variation 581216 (VCV000581216.12), dbSNP rs762998620, ClinGen allele CA382529018.
Genomic context (GRCh38, chr11:108,244,805, plus strand): 5'-TTCCCCCTGTTATACCCAGTTGAGCTTGTTTGTTTCTTCACAGACAAGAAAAGAGCTCTT[C>G]AGGTCTAAATCATATCTTAGCAGCTCTTACTATCTTCCTCAAGACTTTGGCTGTCAACTT-3'